The following is an entry in ClinVar:

ClinVar aggregate classification (germline): Uncertain significance (1 of 4 stars; one submission).

gnomAD v4.1: 1 of 1,562,800 alleles (0.000064%); highest among the groups gnomAD compares: African/African-American, 0.0014%; no homozygotes.

Submission:

Labcorp Genetics (formerly Invitae), Labcorp
Classification: Uncertain significance. Last evaluated: 2025-07-30. Review status: criteria provided, single submitter. Criteria: Invitae Variant Classification Sherloc (09022015). Collection method: clinical testing. Allele origin: germline.
Comment: This sequence change replaces tyrosine, which is neutral and polar, with cysteine, which is neutral and slightly polar, at codon 673 of the RIMS1 protein (p.Tyr673Cys). This variant is not present in population databases (gnomAD no frequency). This variant has not been reported in the literature in individuals affected with RIMS1-related conditions. An algorithm developed to predict the effect of missense changes on protein structure and function (PolyPhen-2) suggests that this variant is likely to be disruptive. In summary, the available evidence is currently insufficient to determine the role of this variant in disease. Therefore, it has been classified as a Variant of Uncertain Significance.

NM_014989.7(RIMS1):c.2018A>G (p.Tyr673Cys)

Gene: RIMS1 (regulating synaptic membrane exocytosis 1; plus strand). Cytogenetic location: 6q13.
Variant type: single nucleotide variant.
Coding change: c.2018A>G on transcript NM_014989.7 (MANE Select); coding-DNA position 2018, A replaced by G.
Protein change: p.Tyr673Cys; replaces tyrosine 673 with cysteine.
Molecular consequence: missense variant.
Genome position (GRCh38, 1-based): chr6:72,242,374, A>G. VCF-style: chr6-72242374-A-G. GRCh37 (hg19) VCF-style: chr6-72952077-A-G.
Other names: c.440A>G, p.Tyr147Cys (NM_001168407.2, NM_001168408.2, NM_001350414.2 and 37 more transcripts); c.197A>G, p.Tyr66Cys (NM_001168409.2, NM_001350461.2, NM_001350463.2 and 6 more transcripts); c.395A>G, p.Tyr132Cys (NM_001168410.2, NM_001350470.2, NM_001350472.2 and 2 more transcripts); c.371A>G, p.Tyr124Cys (NM_001350421.2, NM_001350424.2, NM_001350428.2 and 6 more transcripts); short protein forms Y147C, Y673C, Y132C, Y124C, Y66C.
Identifiers: ClinVar variation 4713441 (VCV004713441.1).